The following is an entry in ClinVar:

ClinVar aggregate classification (germline): Uncertain significance (1 of 4 stars; one submission).

Conditions:
Beckwith-Wiedemann syndrome (BWS). Also called: EMG SYNDROME; Exomphalos macroglossia gigantism syndrome. Identifiers: Orphanet 116, MedGen C0004903, MONDO:0007534, OMIM 130650.

Allele frequency attached by ClinVar (database versions not stated): gnomAD exomes below 0.00001; TOPMed 0.00001.
gnomAD v4.1: 1 of 1,520,006 alleles (0.000066%); highest among the groups gnomAD compares: Non-Finnish European, 0.000088%; no homozygotes.

Submission:

Labcorp Genetics (formerly Invitae), Labcorp
Classification: Uncertain significance for Beckwith-Wiedemann syndrome. Last evaluated: 2023-12-26. Review status: criteria provided, single submitter. Criteria: Invitae Variant Classification Sherloc (09022015). Collection method: clinical testing. Allele origin: germline.
Comment: This sequence change replaces alanine, which is neutral and non-polar, with valine, which is neutral and non-polar, at codon 114 of the CDKN1C protein (p.Ala114Val). This variant is not present in population databases (gnomAD no frequency). This variant has not been reported in the literature in individuals affected with CDKN1C-related conditions. ClinVar contains an entry for this variant (Variation ID: 524717). Advanced modeling of protein sequence and biophysical properties (such as structural, functional, and spatial information, amino acid conservation, physicochemical variation, residue mobility, and thermodynamic stability) performed at Invitae indicates that this missense variant is not expected to disrupt CDKN1C protein function with a negative predictive value of 80%. In summary, the available evidence is currently insufficient to determine the role of this variant in disease. Therefore, it has been classified as a Variant of Uncertain Significance.

NM_001122630.2(CDKN1C):c.308C>T (p.Ala103Val)

Gene: CDKN1C (cyclin dependent kinase inhibitor 1C; minus strand). Cytogenetic location: 11p15.4.
Variant type: single nucleotide variant.
Coding change: c.308C>T on transcript NM_001122630.2 (MANE Select); coding-DNA position 308, C replaced by T.
Protein change: p.Ala103Val; replaces alanine 103 with valine.
Molecular consequence: missense variant. On other transcripts: intron variant (1).
Genome position (GRCh38, 1-based): chr11:2,885,149, G>A on the plus strand (C>T on the coding strand, the complement: CDKN1C is on the minus strand). VCF-style: chr11-2885149-G-A. GRCh37 (hg19) VCF-style: chr11-2906379-G-A.
Other names: c.341C>T, p.Ala114Val (LRG_533t1, NM_000076.2, NM_001362474.2); c.308C>T, p.Ala103Val (NM_001122631.2); c.255+53C>T (NM_001362475.2); short protein forms A114V, A103V.
Identifiers: ClinVar variation 524717 (VCV000524717.9), dbSNP rs1486019596, ClinGen allele CA379146896.